The following is an entry in ClinVar:

NM_198576.4(AGRN):c.1658G>A (p.Cys553Tyr)

Gene: AGRN (agrin; plus strand). Cytogenetic location: 1p36.33.
Variant type: single nucleotide variant.
Coding change: c.1658G>A on transcript NM_198576.4 (MANE Select); coding-DNA position 1658, G replaced by A.
Protein change: p.Cys553Tyr; replaces cysteine 553 with tyrosine.
Molecular consequence: missense variant.
Genome position (GRCh38, 1-based): chr1:1,043,592, G>A. VCF-style: chr1-1043592-G-A. GRCh37 (hg19) VCF-style: chr1-978972-G-A.
Other names: c.1658G>A, p.Cys553Tyr (NM_001305275.2); c.1343G>A, p.Cys448Tyr (NM_001364727.2); short protein forms C448Y, C553Y.
Identifiers: ClinVar variation 4997181 (VCV004997181.1).

ClinVar aggregate classification (germline): Uncertain significance (1 of 4 stars; one submission).

Conditions:
AGRN-related disorder. Also called: AGRN-related condition.

gnomAD v4.1: 2 of 1,605,122 alleles (0.00012%); highest among the groups gnomAD compares: Non-Finnish European, 0.00017%; no homozygotes.

Submission:

PreventionGenetics, part of Exact Sciences
Classification: Uncertain significance for AGRN-related condition. Last evaluated: 2024-10-25. Review status: criteria provided, single submitter. Criteria: ACMG Guidelines, 2015. Collection method: clinical testing. Allele origin: germline.
Comment: The AGRN c.1658G>A variant is predicted to result in the amino acid substitution p.Cys553Tyr. To our knowledge, this variant has not been reported in the literature or in a large population database (gnomAD), indicating this variant is rare. At this time, the clinical significance of this variant is uncertain due to the absence of conclusive functional and genetic evidence.